The following is an entry in ClinVar:

NM_003072.5(SMARCA4):c.4834G>T (p.Gly1612Cys)

Gene: SMARCA4 (SWI/SNF related BAF chromatin remodeling complex subunit ATPase 4; plus strand). Cytogenetic location: 19p13.2.
Variant type: single nucleotide variant.
Coding change: c.4834G>T on transcript NM_003072.5 (MANE Select); coding-DNA position 4834, G replaced by T.
Protein change: p.Gly1612Cys; replaces glycine 1612 with cysteine.
Molecular consequence: missense variant. On other transcripts: non-coding transcript variant (1).
Genome position (GRCh38, 1-based): chr19:11,060,110, G>T. VCF-style: chr19-11060110-G-T. GRCh37 (hg19) VCF-style: chr19-11170786-G-T.
Other names: c.4834G>T, p.Gly1612Cys (NM_001128844.3); c.4744G>T, p.Gly1582Cys (NM_001128845.2); c.4741G>T, p.Gly1581Cys (NM_001128846.2); c.4735G>T, p.Gly1579Cys (NM_001128847.4, NM_001374457.1); c.4732G>T, p.Gly1578Cys (NM_001128848.2); c.4930G>T, p.Gly1644Cys (NM_001128849.3); short protein forms G1578C, G1579C, G1582C, G1612C, G1581C, G1644C.
Identifiers: ClinVar variation 963845 (VCV000963845.10), dbSNP rs372319442, ClinGen allele CA404080632.
Genomic context (GRCh38, chr19:11,060,110, plus strand): 5'-TCCGTCAAAGTGAAGATCAAGCTTGGCCGGAAGGAGAAGGCACAGGACCGGCTGAAGGGC[G>T]GCCGGCGGCGGCCGAGCCGAGGGTCCCGAGCCAAGCCGGTCGTGAGTGACGATGACAGTG-3'
Protein context (NP_003063.2, residues 1602-1622): KEKAQDRLKG[Gly1612Cys]RRRPSRGSRA

ClinVar aggregate classification (germline): Uncertain significance. Review status: criteria provided, multiple submitters, no conflicts (2 of 4 stars). 2 submissions from 2 submitters: Uncertain significance (2). Last evaluated 2024-06-04.

Conditions:
Hereditary cancer-predisposing syndrome. Also called: Tumor predisposition; Hereditary neoplastic syndrome; Hereditary Cancer Syndrome; Neoplastic Syndromes, Hereditary. Identifiers: Orphanet 140162, MedGen C0027672, MeSH D009386, MONDO:0015356.
Rhabdoid tumor predisposition syndrome 2 (RTPS2). Identifiers: Orphanet 231108, Orphanet 69077, MedGen C2750074, MONDO:0013224, OMIM 613325.

gnomAD v4.1: 2 of 1,551,074 alleles (0.00013%); highest among the groups gnomAD compares: South Asian, 0.0024%; no homozygotes.

Submissions (2):

Ambry Genetics
Classification: Uncertain significance for Hereditary cancer-predisposing syndrome. Last evaluated: 2024-06-04. Review status: criteria provided, single submitter. Criteria: Ambry Variant Classification Scheme 2023. Collection method: clinical testing. Allele origin: germline.
Comment: The p.G1644C variant (also known as c.4930G>T), located in coding exon 34 of the SMARCA4 gene, results from a G to T substitution at nucleotide position 4930. The glycine at codon 1644 is replaced by cysteine, an amino acid with highly dissimilar properties. This amino acid position is well conserved in available vertebrate species. In addition, the in silico prediction for this alteration is inconclusive. Based on the available evidence, the clinical significance of this variant remains unclear.

Labcorp Genetics (formerly Invitae), Labcorp
Classification: Uncertain significance for Rhabdoid tumor predisposition syndrome 2. Last evaluated: 2024-04-30. Review status: criteria provided, single submitter. Criteria: Invitae Variant Classification Sherloc (09022015). Collection method: clinical testing. Allele origin: germline.
Comment: This sequence change replaces glycine, which is neutral and non-polar, with cysteine, which is neutral and slightly polar, at codon 1644 of the SMARCA4 protein (p.Gly1644Cys). This variant is present in population databases (no rsID available, gnomAD 0.004%). This variant has not been reported in the literature in individuals affected with SMARCA4-related conditions. ClinVar contains an entry for this variant (Variation ID: 963845). Advanced modeling of protein sequence and biophysical properties (such as structural, functional, and spatial information, amino acid conservation, physicochemical variation, residue mobility, and thermodynamic stability) performed at Invitae indicates that this missense variant is not expected to disrupt SMARCA4 protein function with a negative predictive value of 95%. In summary, the available evidence is currently insufficient to determine the role of this variant in disease. Therefore, it has been classified as a Variant of Uncertain Significance.